The following is an entry in ClinVar:

ClinVar aggregate classification (germline): Uncertain significance. Review status: criteria provided, multiple submitters, no conflicts (2 of 4 stars). 2 submissions from 2 submitters: Uncertain significance (2). Last evaluated 2024-08-13.

Conditions:
Inborn genetic diseases. Identifiers: MedGen C0950123, MeSH D030342.

gnomAD v4.1: 2 of 1,613,706 alleles (0.00012%); highest among the groups gnomAD compares: South Asian, 0.0011%; no homozygotes.

Submissions (2):

GeneDx
Classification: Uncertain significance. Last evaluated: 2024-08-13. Review status: criteria provided, single submitter. Criteria: GeneDx Variant Classification Process June 2021. Collection method: clinical testing. Allele origin: germline. Affected: yes.
Comment: Not observed at significant frequency in large population cohorts (gnomAD); In silico analysis supports that this missense variant has a deleterious effect on protein structure/function; Has not been previously published as pathogenic or benign to our knowledge

Ambry Genetics
Classification: Uncertain significance for Inborn genetic diseases. Last evaluated: 2024-02-28. Review status: criteria provided, single submitter. Criteria: Ambry Variant Classification Scheme 2023. Collection method: clinical testing. Allele origin: germline.

NM_001953.5(TYMP):c.436C>T (p.Arg146Cys)

Gene: TYMP (thymidine phosphorylase; minus strand). Cytogenetic location: 22q13.33.
Variant type: single nucleotide variant.
Coding change: c.436C>T on transcript NM_001953.5 (MANE Select); coding-DNA position 436, C replaced by T.
Protein change: p.Arg146Cys; replaces arginine 146 with cysteine.
Molecular consequence: missense variant.
Genome position (GRCh38, 1-based): chr22:50,528,592, G>A on the plus strand (C>T on the coding strand, the complement: TYMP is on the minus strand). VCF-style: chr22-50528592-G-A. GRCh37 (hg19) VCF-style: chr22-50967021-G-A.
Other names: c.436C>T, p.Arg146Cys (NM_001113755.3, NM_001113756.3, NM_001257988.1 and 1 more transcripts); short protein forms R146C.
Identifiers: ClinVar variation 3185245 (VCV003185245.2), dbSNP rs1357734207, ClinGen allele CA412201847.